The following is an entry in ClinVar:

ClinVar aggregate classification (germline): Likely pathogenic. Review status: criteria provided, multiple submitters, no conflicts (2 of 4 stars). 4 submissions from 4 submitters: Likely pathogenic (4). Last evaluated 2026-08-13.

Conditions:
Aicardi Goutieres syndrome (AGS). Also called: Encephalopathy, familial infantile, with calcification of basal ganglia and chronic cerebrospinal fluid lymphocytosis. Identifiers: Orphanet 51, MedGen C0393591, MONDO:0018866.
Aicardi-Goutieres syndrome 2. Identifiers: Orphanet 51, MedGen C3489724, MONDO:0012429, OMIM 610181.

Allele frequency attached by ClinVar (database versions not stated): gnomAD exomes below 0.00001.
gnomAD v4.1: 2 of 1,613,948 alleles (0.00012%); highest among the groups gnomAD compares: Non-Finnish European, 0.00017%; no homozygotes.

Submissions (4):

GeneDx
Classification: Likely pathogenic. Last evaluated: 2026-08-13. Review status: criteria provided, single submitter. Criteria: GeneDx Variant Classification Process June 2021. Collection method: clinical testing. Allele origin: germline.
Comment: Identified with a second variant in several individuals with clinical features of Aicardi-Goutieres syndrome, but it is not known whether the variants occurred on the same (in cis) or on different (in trans) chromosomes (PMID: 38368708, 31664448, 27943079); Not observed at significant frequency in large population cohorts (gnomAD); Missense variants in this gene are a common cause of disease and they are underrepresented in the general population; In silico analysis supports that this missense variant has a deleterious effect on protein structure/function; This variant is associated with the following publications: (PMID: 26659599, 21177858, 18721139, 30975634, 38368708, 31664448, 27943079, 16845400, 25604658)

Labcorp Genetics (formerly Invitae), Labcorp
Classification: Likely pathogenic for Aicardi-Goutieres syndrome 2. Last evaluated: 2025-12-17. Review status: criteria provided, single submitter. Criteria: Invitae Variant Classification Sherloc (09022015). Collection method: clinical testing. Allele origin: germline.
Comment: This sequence change replaces leucine, which is neutral and non-polar, with arginine, which is basic and polar, at codon 60 of the RNASEH2B protein (p.Leu60Arg). This variant is not present in population databases (gnomAD no frequency). This missense change has been observed in individual(s) with Aicardi-Goutieres syndrome (PMID: 16845400, 31664448). In at least one individual the data is consistent with being in trans (on the opposite chromosome) from a pathogenic variant. ClinVar contains an entry for this variant (Variation ID: 641111). Invitae Evidence Modeling of protein sequence and biophysical properties (such as structural, functional, and spatial information, amino acid conservation, physicochemical variation, residue mobility, and thermodynamic stability) has been performed for this missense variant. However, the output from this modeling did not meet the statistical confidence thresholds required to predict the impact of this variant on RNASEH2B protein function. In summary, the currently available evidence indicates that the variant is pathogenic, but additional data are needed to prove that conclusively. Therefore, this variant has been classified as Likely Pathogenic.

Fulgent Genetics
Classification: Likely pathogenic for Aicardi-Goutieres syndrome 2. Last evaluated: 2024-06-04. Review status: criteria provided, single submitter. Criteria: ACMG Guidelines, 2015. Collection method: clinical testing. Allele origin: germline.

Women's Health and Genetics/Laboratory Corporation of America, LabCorp
Classification: Likely pathogenic for Aicardi Goutieres syndrome. Last evaluated: 2024-05-31. Review status: criteria provided, single submitter. Criteria: LabCorp Variant Classification Summary - May 2015. Collection method: clinical testing. Allele origin: germline.
Comment: Variant summary: RNASEH2B c.179T>G (p.Leu60Arg) results in a non-conservative amino acid change located in the Rnh202, triple barrel domain (IPR041195) of the encoded protein sequence. Five of five in-silico tools predict a damaging effect of the variant on protein function. The variant was absent in 251290 control chromosomes. c.179T>G has been reported in the literature in the compound heterozygous state in multiple individuals affected with Aicardi Goutieres Syndrome (example, Crow_2006, Rice_2017, McCreary_2019). These data indicate that the variant is likely to be associated with disease. One publication reports that this variant could not be expressed or purified in an E. coli background, however this information does not allow convincing conclusions about the variant effect (Figiel_2011). The following publications have been ascertained in the context of this evaluation (PMID: 25604658, 16845400, 21177858, 31664448, 17846997, 27943079). ClinVar contains an entry for this variant (Variation ID: 641111). Based on the evidence outlined above, the variant was classified as likely pathogenic.

Literature cited by the submitters: PubMed 16845400 (cited by Labcorp Genetics (formerly Invitae), Labcorp and Women's Health and Genetics/Laboratory Corporation of America, LabCorp); PubMed 31664448 (cited by Labcorp Genetics (formerly Invitae), Labcorp and Women's Health and Genetics/Laboratory Corporation of America, LabCorp); PubMed 25604658 (cited by Women's Health and Genetics/Laboratory Corporation of America, LabCorp); PubMed 17846997 (cited by Women's Health and Genetics/Laboratory Corporation of America, LabCorp); PubMed 21177858 (cited by Women's Health and Genetics/Laboratory Corporation of America, LabCorp); PubMed 27943079 (cited by Women's Health and Genetics/Laboratory Corporation of America, LabCorp).

NM_024570.4(RNASEH2B):c.179T>G (p.Leu60Arg)

Gene: RNASEH2B (ribonuclease H2 subunit B; plus strand). Cytogenetic location: 13q14.3.
Variant type: single nucleotide variant.
Coding change: c.179T>G on transcript NM_024570.4 (MANE Select); coding-DNA position 179, T replaced by G.
Protein change: p.Leu60Arg; replaces leucine 60 with arginine.
Molecular consequence: missense variant.
Genome position (GRCh38, 1-based): chr13:50,929,517, T>G. VCF-style: chr13-50929517-T-G. GRCh37 (hg19) VCF-style: chr13-51503653-T-G.
Other names: c.179T>G, p.Leu60Arg (NM_001142279.2); short protein forms L60R.
Identifiers: ClinVar variation 641111 (VCV000641111.12), dbSNP rs75325951, ClinGen allele CA249996620.